The following is an entry in ClinVar:

ClinVar aggregate classification (germline): Uncertain significance. Review status: criteria provided, multiple submitters, no conflicts (2 of 4 stars). 2 submissions from 2 submitters: Uncertain significance (2). Last evaluated 2025-09-25.

Conditions:
Brugada syndrome. Also called: Sudden unexplained nocturnal death syndrome; Sudden unexpected nocturnal death syndrome; Sudden Unexplained Death Syndrome; Sudden Unexplained Nocturnal Death Syndrome (SUNDS). Identifiers: Orphanet 130, MedGen C1142166, MONDO:0015263.

Allele frequency attached by ClinVar (database versions not stated): gnomAD exomes below 0.00001; ExAC 0.00002; TOPMed 0.00003; gnomAD 0.00005; 1000 Genomes Project 30x 0.00031; 1000 Genomes Project 0.00040.
gnomAD v4.1: 9 of 1,614,002 alleles (0.00056%); highest among the groups gnomAD compares: African/African-American, 0.012%; no homozygotes.

Submissions (2):

Ambry Genetics
Classification: Uncertain significance. Last evaluated: 2025-09-25. Review status: criteria provided, single submitter. Criteria: Ambry Variant Classification Scheme 2023. Collection method: clinical testing. Allele origin: germline.
Comment: The p.V412A variant (also known as c.1235T>C), located in coding exon 12 of the SLMAP gene, results from a T to C substitution at nucleotide position 1235. The valine at codon 412 is replaced by alanine, an amino acid with similar properties. This amino acid position is conserved. In addition, this alteration is predicted to be tolerated by in silico analysis. Since supporting evidence is limited at this time, the clinical significance of this alteration remains unclear.

Labcorp Genetics (formerly Invitae), Labcorp
Classification: Uncertain significance for Brugada syndrome. Last evaluated: 2024-03-18. Review status: criteria provided, single submitter. Criteria: Invitae Variant Classification Sherloc (09022015). Collection method: clinical testing. Allele origin: germline.
Comment: This sequence change replaces valine, which is neutral and non-polar, with alanine, which is neutral and non-polar, at codon 412 of the SLMAP protein (p.Val412Ala). This variant is present in population databases (rs547267872, gnomAD 0.02%). This variant has not been reported in the literature in individuals affected with SLMAP-related conditions. ClinVar contains an entry for this variant (Variation ID: 1756724). Algorithms developed to predict the effect of missense changes on protein structure and function output the following: SIFT: "Not Available"; PolyPhen-2: "Benign"; Align-GVGD: "Not Available". The alanine amino acid residue is found in multiple mammalian species, which suggests that this missense change does not adversely affect protein function. In summary, the available evidence is currently insufficient to determine the role of this variant in disease. Therefore, it has been classified as a Variant of Uncertain Significance.

NM_001377540.1(SLMAP):c.1337T>C (p.Val446Ala)

Gene: SLMAP (sarcolemma associated protein; plus strand). Cytogenetic location: 3p14.3.
Variant type: single nucleotide variant.
Coding change: c.1337T>C on transcript NM_001377540.1 (MANE Select); coding-DNA position 1337, T replaced by C.
Protein change: p.Val446Ala; replaces valine 446 with alanine.
Molecular consequence: missense variant. On other transcripts: 5 prime UTR variant (7), non-coding transcript variant (1).
Genome position (GRCh38, 1-based): chr3:57,890,077, T>C. VCF-style: chr3-57890077-T-C. GRCh37 (hg19) VCF-style: chr3-57875804-T-C.
Other names: c.1286T>C, p.Val429Ala (NM_001304420.3, NM_001377541.1, NM_001377542.1 and 2 more transcripts); c.1172T>C, p.Val391Ala (NM_001304421.2, NM_001377557.1, NM_001377559.1 and 1 more transcripts); c.-113T>C (NM_001304422.3, NM_001304423.3, NM_001311178.2 and 4 more transcripts); c.1337T>C, p.Val446Ala (NM_001377538.1, NM_001377539.1, NM_001377555.1); c.1274T>C, p.Val425Ala (NM_001377545.1, NM_001377922.1); c.1235T>C, p.Val412Ala (NM_001377549.1, NM_001377923.1, NM_007159.5); c.1223T>C, p.Val408Ala (NM_001377551.1, NM_001377552.1, NM_001377924.1); short protein forms V425A, V429A, V408A, V412A, V391A, V446A.
Identifiers: ClinVar variation 1756724 (VCV001756724.9), dbSNP rs547267872, ClinGen allele CA2467103.
Genomic context (GRCh38, chr3:57,890,077, plus strand): 5'-GGTAACGTTTATTTTCCTTGGCAGAGAAGCTGATCGTCGAAGGGCATCTAACCAAAGCGG[T>C]AGAAGAAACAAAGCTTTCAAAAGGTTTGTTTTCTGTTTTTCTATGTTTTTTGACAGTTCT-3'
Protein context (NP_001364469.1, residues 436-456): LIVEGHLTKA[Val446Ala]EETKLSKENQ